The following is an entry in ClinVar:

NM_000384.3(APOB):c.12649del (p.Cys4217fs)

Gene: APOB (apolipoprotein B; minus strand). Cytogenetic location: 2p24.1.
Variant type: Deletion.
Coding change: c.12649del on transcript NM_000384.3 (MANE Select); coding-DNA position 12649, one base deleted (T; older notation c.12649delT).
Protein change: p.Cys4217fs; shifts the reading frame from cysteine 4217.
Molecular consequence: frameshift variant.
Genome position (GRCh38, 1-based): chr2:21,002,773, A deleted on the plus strand (T on the coding strand, the reverse complement: APOB is on the minus strand); the first of 3 consecutive A bases (chr2:21,002,773-21,002,775); deleting any one gives the same sequence. VCF-style (leftmost placement, unchanged base first): chr2-21002772-CA-C. GRCh37 (hg19) VCF-style: chr2-21225644-CA-C.
Other names: short protein forms C4217fs.
Identifiers: ClinVar variation 3751592 (VCV003751592.2).

ClinVar aggregate classification (germline): Uncertain significance (1 of 4 stars; one submission).

Conditions:
Familial hypobetalipoproteinemia 1. Also called: APOB-Related Familial Hypobetalipoproteinemia; Hypobetalipoproteinemia, normotriglyceridemic; Acanthocytosis with hypobetalipoproteinemia. Identifiers: MedGen C4551990, MONDO:0014252, OMIM 615558.
Hypercholesterolemia, autosomal dominant, type B (FHCL2). Also called: Familial Hypercholesterolemia Type B; APOLIPOPROTEIN B-100, FAMILIAL DEFECTIVE; APOLIPOPROTEIN B-100, FAMILIAL LIGAND-DEFECTIVE; HYPERCHOLESTEROLEMIA, FAMILIAL, DUE TO LIGAND-DEFECTIVE APOLIPOPROTEIN B; Hyperlipoproteinemia Type IIb; Familial hypercholesterolemia 2. Identifiers: MedGen C1704417, MONDO:0007751, OMIM 144010.

Submission:

Labcorp Genetics (formerly Invitae), Labcorp
Classification: Uncertain significance for Familial hypobetalipoproteinemia 1; Hypercholesterolemia, autosomal dominant, type B. Last evaluated: 2024-07-15. Review status: criteria provided, single submitter. Criteria: Invitae Variant Classification Sherloc (09022015). Collection method: clinical testing. Allele origin: germline.
Comment: This sequence change creates a premature translational stop signal (p.Cys4217Alafs*5) in the APOB gene. While this is not anticipated to result in nonsense mediated decay, it is expected to disrupt the last 347 amino acid(s) of the APOB protein. This variant is not present in population databases (gnomAD no frequency). This variant has not been reported in the literature in individuals affected with APOB-related conditions. This variant disrupts a region of the APOB protein in which other variant(s) (p.Tyr4380*) have been observed in individuals with APOB-related conditions (Invitae). This suggests that this is a clinically significant region of the protein, and that variants that disrupt it are likely to be disease-causing. In summary, the available evidence is currently insufficient to determine the role of this variant in disease. Therefore, it has been classified as a Variant of Uncertain Significance.